The following is an entry in ClinVar:

ClinVar aggregate classification (germline): Conflicting classifications of pathogenicity. Review status: criteria provided, conflicting classifications (1 of 4 stars). 2 submissions from 2 submitters: Uncertain significance (1); Benign (1). Last evaluated 2025-09-15.

Conditions:
Hereditary cancer-predisposing syndrome. Also called: Hereditary neoplastic syndrome; Tumor predisposition; Hereditary Cancer Syndrome; Neoplastic Syndromes, Hereditary. Identifiers: Orphanet 140162, MedGen C0027672, MeSH D009386, MONDO:0015356.

Allele frequency attached by ClinVar (database versions not stated): gnomAD exomes below 0.00001 and 0.00001; ExAC 0.00001.
gnomAD v4.1: 9 of 1,614,088 alleles (0.00056%); highest among the groups gnomAD compares: South Asian, 0.0099%; no homozygotes.

Submissions (2):

Ambry Genetics
Classification: Benign for Hereditary cancer-predisposing syndrome. Last evaluated: 2025-09-15. Review status: criteria provided, single submitter. Criteria: Ambry Variant Classification Scheme 2023. Collection method: clinical testing. Allele origin: germline.

Color Diagnostics, LLC DBA Color Health
Classification: Uncertain significance for Hereditary cancer-predisposing syndrome. Last evaluated: 2023-12-05. Review status: criteria provided, single submitter. Criteria: ACMG Guidelines, 2015. Collection method: clinical testing. Allele origin: germline.
Comment: This missense variant replaces alanine with glutamic acid at codon 20 of the MUTYH protein. Computational prediction suggests that this variant may not impact protein structure and function (internally defined REVEL score threshold <= 0.5, PMID: 27666373). To our knowledge, functional studies have not been reported for this variant. This variant has not been reported in individuals affected with MUTYH-related disorders in the literature. This variant has been identified in 1/251492 chromosomes in the general population by the Genome Aggregation Database (gnomAD). The available evidence is insufficient to determine the role of this variant in disease conclusively. Therefore, this variant is classified as a Variant of Uncertain Significance.

NM_001048174.2(MUTYH):c.17C>A (p.Ala6Glu)

Gene: MUTYH (mutY DNA glycosylase; minus strand). Cytogenetic location: 1p34.1.
Variant type: single nucleotide variant.
Coding change: c.17C>A on transcript NM_001048174.2 (MANE Select); coding-DNA position 17, C replaced by A.
Protein change: p.Ala6Glu; replaces alanine 6 with glutamic acid.
Molecular consequence: missense variant. On other transcripts: 5 prime UTR variant (4), non-coding transcript variant (2).
Genome position (GRCh38, 1-based): chr1:45,334,489, G>T on the plus strand (C>A on the coding strand, the complement: MUTYH is on the minus strand). VCF-style: chr1-45334489-G-T. GRCh37 (hg19) VCF-style: chr1-45800161-G-T.
Other names: c.17C>A, p.Ala6Glu (NM_001048171.2, NM_001048172.2, NM_001048173.2 and 2 more transcripts); c.59C>A, p.Ala20Glu (NM_001128425.2, NM_001293190.2, NM_012222.3); c.-196C>A (NM_001293192.2, NM_001293196.2); c.-255C>A (NM_001350650.2); c.-191C>A (NM_001350651.2); short protein forms A20E, A6E.
Identifiers: ClinVar variation 492053 (VCV000492053.9), dbSNP rs756437904, ClinGen allele CA057179.
Genomic context (GRCh38, chr1:45,334,489, plus strand): 5'-GCATGCTTCTGCCTCCCTTCCTGGCTGGCTGCCTGCTTCCTGTGACCACTTCCCACGGCT[G>T]CTCGTGGCTTCCTCATGATGGCCTGAAACAAAAAGACCCAGCCAAAGCAGTCAGTCACAA-3'
Protein context (NP_001041639.1, residues 1-16): MRKPR[Ala6Glu]AVGSGHRKQA